The following is an entry in ClinVar:

ClinVar aggregate classification (germline): Uncertain significance (1 of 4 stars; one submission).

Conditions:
JMJD1C-associated Neurodevelopmental Disorder.

Allele frequency attached by ClinVar (database versions not stated): gnomAD exomes below 0.00001.
gnomAD v4.1: 1 of 1,578,282 alleles (0.000063%); highest among the groups gnomAD compares: Middle Eastern, 0.017%; no homozygotes.

Submission:

New York Genome Center
Classification: Uncertain significance for JMJD1C-associated Neurodevelopmental Disorder. Last evaluated: 2021-03-12. Review status: criteria provided, single submitter. Criteria: NYGC Assertion Criteria 2020. Collection method: clinical testing. Allele origin: inherited. Observed: 1 heterozygote. Study: CSER-NYCKidSeq.
Comment: The inherited c.2882A>G (p.Lys961Arg) variant identified in the JMJD1C gene substitutesa well conserved Lysine for Arginine at amino acid 961/2541 (exon 10/26). This variant is absent from gnomAD(v3.1) suggesting it is not a common benign variant in the populations represented in that database. In silico algorithms predict this variant to be Tolerated (SIFT; score:0.108) and Benign (REVEL; score:0.1159) to the function of the canonical transcript. This variant is absent from ClinVar and to our current knowledge has not been reported in affected individuals in the literature. The p.Lys961 residue is not within a mapped domain of JMJD1C (UniProtKB:Q15652). Given the lack of compelling evidence, the inherited c.2882A>G (p.Lys961Arg) variant identified in the JMJD1C gene is reported as a Variant of Uncertain Significance.

NM_032776.3(JMJD1C):c.2882A>G (p.Lys961Arg)

Gene: JMJD1C (jumonji domain containing 1C; minus strand). Cytogenetic location: 10q21.3.
Variant type: single nucleotide variant.
Coding change: c.2882A>G on transcript NM_032776.3 (MANE Select); coding-DNA position 2882, A replaced by G.
Protein change: p.Lys961Arg; replaces lysine 961 with arginine.
Molecular consequence: missense variant. On other transcripts: non-coding transcript variant (1).
Genome position (GRCh38, 1-based): chr10:63,208,787, T>C on the plus strand (A>G on the coding strand, the complement: JMJD1C is on the minus strand). VCF-style: chr10-63208787-T-C. GRCh37 (hg19) VCF-style: chr10-64968547-T-C.
Other names: c.2336A>G, p.Lys779Arg (NM_001282948.2, NM_001318154.2); c.2018A>G, p.Lys673Arg (NM_001318153.2); c.2768A>G, p.Lys923Arg (NM_001322252.2); c.2225A>G, p.Lys742Arg (NM_001322254.2, NM_001322258.2); short protein forms K673R, K742R, K779R, K923R, K961R.
Identifiers: ClinVar variation 1342442 (VCV001342442.1), dbSNP rs2133165233, ClinGen allele CA377043324.